The following is an entry in ClinVar:

NM_005228.5(EGFR):c.1214del (p.Leu405fs)

Gene: EGFR (epidermal growth factor receptor; plus strand). Cytogenetic location: 7p11.2.
Variant type: Deletion.
Coding change: c.1214del on transcript NM_005228.5 (MANE Select); coding-DNA position 1214, one base deleted (T; older notation c.1214delT).
Protein change: p.Leu405fs; shifts the reading frame from leucine 405.
Molecular consequence: frameshift variant.
Genome position (GRCh38, 1-based): chr7:55,157,669, T deleted; the last of 5 consecutive T bases (chr7:55,157,665-55,157,669); deleting any one gives the same sequence. VCF-style (leftmost placement, unchanged base first): chr7-55157664-GT-G. GRCh37 (hg19) VCF-style: chr7-55225357-GT-G.
Other names: c.1079del, p.Leu360fs (NM_001346897.2, NM_001346899.2); c.1214del, p.Leu405fs (NM_001346898.2, NM_201282.2, NM_201284.2); c.1055del, p.Leu352fs (NM_001346900.2); c.413del, p.Leu138fs (NM_001346941.2); short protein forms L352fs, L360fs, L138fs, L405fs.
Identifiers: ClinVar variation 4735901 (VCV004735901.1).

ClinVar aggregate classification (germline): Pathogenic (1 of 4 stars; one submission).

Conditions:
EGFR-related lung cancer (EGFR). Identifiers: MedGen CN130014.

Submission:

Labcorp Genetics (formerly Invitae), Labcorp
Classification: Pathogenic for EGFR-related lung cancer. Last evaluated: 2026-01-21. Review status: criteria provided, single submitter. Criteria: Invitae Variant Classification Sherloc (09022015). Collection method: clinical testing. Allele origin: germline.
Comment: This sequence change creates a premature translational stop signal (p.Leu405Cysfs*2) in the EGFR gene. It is expected to result in an absent or disrupted protein product. Loss-of-function variants in EGFR are known to be pathogenic (PMID: 7630400, 28726809, 29899996). This variant is not present in population databases (gnomAD no frequency). This variant has not been reported in the literature in individuals affected with EGFR-related conditions. For these reasons, this variant has been classified as Pathogenic.

Literature cited by the submitters: PubMed 7630400; PubMed 28726809; PubMed 29899996.